The following is an entry in ClinVar:

NM_000492.4(CFTR):c.85A>G (p.Arg29Gly)

Gene: CFTR (CF transmembrane conductance regulator; plus strand). Cytogenetic location: 7q31.2.
Variant type: single nucleotide variant.
Coding change: c.85A>G on transcript NM_000492.4 (MANE Select); coding-DNA position 85, A replaced by G.
Protein change: p.Arg29Gly; replaces arginine 29 with glycine.
Molecular consequence: missense variant.
Genome position (GRCh38, 1-based): chr7:117,504,284, A>G. VCF-style: chr7-117504284-A-G. GRCh37 (hg19) VCF-style: chr7-117144338-A-G.
Other names: short protein forms R29G.
Identifiers: ClinVar variation 1763996 (VCV001763996.2), dbSNP rs2484968159, ClinGen allele CA368987006.

ClinVar aggregate classification (germline): Uncertain significance (1 of 4 stars; one submission).

Conditions:
Cystic fibrosis (CF). Also called: MUCOVISCIDOSIS. Identifiers: Orphanet 586, MedGen C0010674, MONDO:0009061, OMIM 219700. Disease mechanism: loss of function.

Allele frequency attached by ClinVar (database versions not stated): gnomAD exomes below 0.00001.

Submission:

Ambry Genetics
Classification: Uncertain significance for Cystic fibrosis. Last evaluated: 2024-02-28. Review status: criteria provided, single submitter. Criteria: Ambry Variant Classification Scheme 2023. Collection method: clinical testing. Allele origin: germline.
Comment: The p.R29G variant (also known as c.85A>G), located in coding exon 2 of the CFTR gene, results from an A to G substitution at nucleotide position 85. The arginine at codon 29 is replaced by glycine, an amino acid with dissimilar properties. This amino acid position is highly conserved in available vertebrate species. In addition, the in silico prediction for this alteration is inconclusive. Based on the available evidence, the clinical significance of this alteration remains unclear.